The following is an entry in ClinVar:

ClinVar aggregate classification (germline): Uncertain significance (1 of 4 stars; one submission).

Conditions:
Cataract 10 multiple types. Also called: CATARACT 10, CONGENITAL ZONULAR, WITH SUTURAL OPACITIES. Identifiers: Orphanet 91492, MedGen C1833229, MONDO:0010948, OMIM 600881.

Allele frequency attached by ClinVar (database versions not stated): gnomAD exomes 0.00001; ExAC 0.00002.
gnomAD v4.1: 3 of 1,614,146 alleles (0.00019%); highest among the groups gnomAD compares: Admixed American, 0.005%; no homozygotes.

Submission:

Labcorp Genetics (formerly Invitae), Labcorp
Classification: Uncertain significance for Cataract 10 multiple types. Last evaluated: 2021-09-09. Review status: criteria provided, single submitter. Criteria: Invitae Variant Classification Sherloc (09022015). Collection method: clinical testing. Allele origin: germline.
Comment: In summary, the available evidence is currently insufficient to determine the role of this variant in disease. Therefore, it has been classified as a Variant of Uncertain Significance. Algorithms developed to predict the effect of missense changes on protein structure and function are either unavailable or do not agree on the potential impact of this missense change (SIFT: "Deleterious"; PolyPhen-2: "Possibly Damaging"; Align-GVGD: "Class C0"). This variant has not been reported in the literature in individuals affected with CRYBA1-related conditions. This variant is present in population databases (rs745991398, ExAC 0.02%). This sequence change replaces proline with leucine at codon 115 of the CRYBA1 protein (p.Pro115Leu). The proline residue is highly conserved and there is a moderate physicochemical difference between proline and leucine.

NM_005208.5(CRYBA1):c.344C>T (p.Pro115Leu)

Gene: CRYBA1 (crystallin beta A1; plus strand). Cytogenetic location: 17q11.2.
Variant type: single nucleotide variant.
Coding change: c.344C>T on transcript NM_005208.5 (MANE Select); coding-DNA position 344, C replaced by T.
Protein change: p.Pro115Leu; replaces proline 115 with leucine.
Molecular consequence: missense variant.
Genome position (GRCh38, 1-based): chr17:29,252,192, C>T. VCF-style: chr17-29252192-C-T. GRCh37 (hg19) VCF-style: chr17-27579210-C-T.
Other names: short protein forms P115L.
Identifiers: ClinVar variation 1430646 (VCV001430646.6), dbSNP rs745991398, ClinGen allele CA8473755.